The following is an entry in ClinVar:

ClinVar aggregate classification (germline): Pathogenic/Likely pathogenic. Review status: criteria provided, multiple submitters, no conflicts (2 of 4 stars). 13 submissions from 13 submitters: Pathogenic (1); Likely pathogenic (11). 1 of the submissions does not count toward it. Last evaluated 2026-08-06.

Conditions:
Autosomal recessive NEB-related disorders.
Nemaline myopathy 2 (NEM2). Also called: Nemaline myopathy 2, autosomal recessive. Identifiers: MedGen C1850569, MONDO:0009725, OMIM 256030.
Arthrogryposis multiplex congenita 6. Identifiers: MedGen C5543431, MONDO:0030281, OMIM 619334.
NEB-related disorder. Also called: NEB-Related Disorders; NEB-related condition.

Allele frequency attached by ClinVar (database versions not stated): gnomAD exomes 0.00007; ExAC 0.00005; gnomAD 0.00009 and 0.00007; TOPMed 0.00011.
gnomAD v4.1: 54 of 1,448,428 alleles (0.0037%); highest among the groups gnomAD compares: Admixed American, 0.033%; no homozygotes.

Submissions (13):

OLLIN Analises Genomicas, OLLIN
Classification: Likely pathogenic for Arthrogryposis multiplex congenita 6. Last evaluated: 2026-08-06. Review status: criteria provided, single submitter. Criteria: ACMG Guidelines 2015 PMID 25741868. Collection method: clinical testing. Allele origin: germline. Inheritance: Autosomal recessive inheritance.
Comment: This variant, located at the canonical splicing site (splice donor), has been reported in ClinVar (accession VCV002892118.3) and in gnomAD with an allele frequency of 0.0037%. However, to our knowledge, it has not been reported in the scientific literature. This variant is predicted to disrupt a canonical splice site, potentially leading to exon skipping, mRNA degradation via nonsense-mediated decay (NMD), or production of a truncated protein. According to the currently available evidence, this variant has been classified as likely pathogenic (PVS1, PM2_P, PP4).

Variantyx, Inc.
Classification: Likely pathogenic for Autosomal recessive NEB-related disorders. Last evaluated: 2026-01-21. Review status: criteria provided, single submitter. Criteria: Variantyx Assertion Criteria 2022. Collection method: clinical testing. Allele origin: germline. Inheritance: Autosomal recessive inheritance. Affected: no.
Comment: This is a canonical splicing variant in the NEB gene (OMIM: 161650). Pathogenic variants in this gene have been associated with autosomal recessive NEB-related disorders. This splicing variant is expected to result in loss of function, which is a known disease mechanism for NEB in these disorders (PMID: 36714460) (PVS1). This variant has a 0.0329% maximum allele frequency in non-founder control populations (PM2). Based on the Ccurrent evidence, this variant is classified as likely pathogenic for autosomal recessive NEB-related disorders.No other variant of clinical significance was identified in the NEB gene. A

Labcorp Genetics (formerly Invitae), Labcorp
Classification: Likely pathogenic for Nemaline myopathy 2. Last evaluated: 2026-01-18. Review status: criteria provided, single submitter. Criteria: Invitae Variant Classification Sherloc (09022015). Collection method: clinical testing. Allele origin: germline.
Comment: This sequence change affects a donor splice site in intron 170 of the NEB gene. It is expected to disrupt RNA splicing. Variants that disrupt the donor or acceptor splice site typically lead to a loss of protein function (PMID: 16199547), and loss-of-function variants in NEB are known to be pathogenic (PMID: 25205138). This variant is present in population databases (rs755239192, gnomAD 0.05%). Disruption of this splice site has been observed in individual(s) with nemaline myopathy (PMID: 36714460). ClinVar contains an entry for this variant (Variation ID: 279977). Algorithms developed to predict the effect of sequence changes on RNA splicing suggest that this variant may disrupt the consensus splice site. In summary, the currently available evidence indicates that the variant is pathogenic, but additional data are needed to prove that conclusively. Therefore, this variant has been classified as Likely Pathogenic.

PreventionGenetics, part of Exact Sciences
Classification: Likely pathogenic for NEB-related condition. Last evaluated: 2025-03-18. Review status: criteria provided, single submitter. Criteria: ACMG Guidelines, 2015. Collection method: clinical testing. Allele origin: germline.
Comment: The NEB c.24219+1G>A variant is predicted to disrupt the GT donor site and interfere with normal splicing. This variant was reported with a second NEB variant in a patient with features of nemaline myopathy (eTable 2 in Moreno et al. 2023. PubMed ID: 36714460). This variant is reported in 0.052% of alleles in individuals of Ashkenazi Jewish descent in gnomAD. Variants that disrupt the consensus splice donor site in NEB are expected to be pathogenic. This variant is interpreted as likely pathogenic.

GeneDx
Classification: Likely pathogenic. Last evaluated: 2024-12-28. Review status: criteria provided, single submitter. Criteria: GeneDx Variant Classification Process June 2021. Collection method: clinical testing. Allele origin: germline. Affected: yes.
Comment: Identified with a second NEB variant, phase unknown, in a patient with abnormal movements, gastrostomy tube dependency, mild tongue atrophy, and a history of ventilator dependence (PMID: 36714460); Canonical splice site variant predicted to result in an in-frame loss of the adjacent exon in a gene for which loss of function is a known mechanism of disease; Deletions involving coding exons of this gene are a known mechanism of disease (HGMD); This variant is associated with the following publications: (PMID: 31589614, 34269512, 36714460)

Blueprint Genetics
Classification: Likely pathogenic for NEB-related disorders. Last evaluated: 2024-10-11. Review status: criteria provided, single submitter. Criteria: ACMG Guidelines, 2015. Collection method: clinical testing. Allele origin: germline. Affected: yes. Observed: 4 variant alleles.

Fulgent Genetics
Classification: Likely pathogenic for Nemaline myopathy 2; Arthrogryposis multiplex congenita 6. Last evaluated: 2024-06-19. Review status: criteria provided, single submitter. Criteria: ACMG Guidelines, 2015. Collection method: clinical testing. Allele origin: germline.

Baylor Genetics
Classification: Likely pathogenic for Arthrogryposis multiplex congenita 6. Last evaluated: 2024-03-27. Review status: criteria provided, single submitter. Criteria: ACMG Guidelines, 2015. Collection method: clinical testing. Allele origin: unknown.

Revvity Omics, Revvity
Classification: Likely pathogenic. Last evaluated: 2023-10-31. Review status: criteria provided, single submitter. Criteria: ACMG Guidelines, 2015. Collection method: clinical testing. Allele origin: germline.

Dasa
Classification: Likely pathogenic for Nemaline myopathy 2. Last evaluated: 2022-04-10. Review status: criteria provided, single submitter. Criteria: ACMG Guidelines, 2015. Collection method: clinical testing. Allele origin: germline. Affected: yes. Observed: 1 variant allele.
Comment: The c.24219+1G>A variant is located in a canonical splice-site, and it is not predicted the protein reading frame alteration, however, occur in a critical region and the variant disrupts ˃10% of the protein - PVS1_strong. This sequence change has been observed in affected individual(s) and ClinVar contains an entry for this variant (ClinVar ID: 279977) - PS4_supporting. The variant is present at low allele frequencies population databases (rs755239192 – gnomAD 0.0006652%; ABraOM 0.001281 frequency) - PM2_supporting. In summary, the currently available evidence indicates that the variant is likely pathogenic

Breda Genetics srl
Classification: Likely pathogenic for Nemaline myopathy 2. Last evaluated: 2021-03-03. Review status: criteria provided, single submitter. Criteria: ACMG Guidelines, 2015. Collection method: clinical testing. Allele origin: germline. Inheritance: Autosomal recessive inheritance. Affected: yes. Observed: 1 variant allele, 1 heterozygote.
Comment: The variant c.24219+1G>A in the NEB gene is reported as pathogenic/likely pathogenic for nemaline myopathy 2 in ClinVar (Variation ID: 279977). The variant affects the donor splice site of intron 170 and is therefore highly likely to impact the splicing process by causing the retention of the following intron and the formation of an aberrant mRNA, which is unlikely to be exported and translated into protein. The variant is reported with an estimated allele frequency of 0.00006716 in gnomAD exomes and 0.00006374 in gnomAD genomes, with no homozygous individuals reported. According to Lehtokari et al. (2015), 34% of pathogenic variants in the NEB gene are splice site variants and 4% are large deletions/duplications (PMID: 25205138).

Genomic Research Center, Shahid Beheshti University of Medical Sciences
Classification: Pathogenic for Nemaline myopathy 2. Last evaluated: 2017-12-03. Review status: criteria provided, single submitter. Criteria: ACMG Guidelines, 2015. Collection method: clinical testing. Allele origin: inherited. Affected: yes.

Counsyl
Classification: Likely pathogenic for Nemaline myopathy 2. Last evaluated: 2017-03-09. Review status: no assertion criteria provided. Collection method: clinical testing. Allele origin: unknown. Not counted in ClinVar's aggregate classification.

Literature cited by the submitters: PubMed 36714460 (cited by Variantyx, Inc. and Labcorp Genetics (formerly Invitae), Labcorp); PubMed 16199547 (cited by Labcorp Genetics (formerly Invitae), Labcorp); PubMed 25205138 (cited by Labcorp Genetics (formerly Invitae), Labcorp).

NM_001164508.2(NEB):c.24114+1G>A

Genes: NEB (nebulin; minus strand), RIF1 (replication timing regulatory factor 1; plus strand). Cytogenetic location: 2q23.3.
Variant type: single nucleotide variant.
Coding change: c.24114+1G>A on transcript NM_001164508.2 (MANE Select); the canonical splice donor site of the intron after coding-DNA position 24114, G replaced by A.
Molecular consequence: splice donor variant. On other transcripts: intron variant (1).
Genome position (GRCh38, 1-based): chr2:151,499,297, C>T on the plus strand (G>A on the coding strand, the complement: NEB is on the minus strand). VCF-style: chr2-151499297-C-T. GRCh37 (hg19) VCF-style: chr2-152355811-C-T.
Other names: c.18826-2929G>A (NM_004543.5); c.24114+1G>A (NM_001164507.2); c.24219+1G>A (NM_001271208.2).
Identifiers: ClinVar variation 279977 (VCV000279977.30), dbSNP rs755239192, ClinGen allele CA1906151.